The following is an entry in ClinVar:

ClinVar aggregate classification (germline): Pathogenic. Review status: criteria provided, multiple submitters, no conflicts (2 of 4 stars). 3 submissions from 3 submitters: Pathogenic (2). 1 of the submissions does not count toward it. Last evaluated 2023-05-28.

Conditions:
Peroxisome biogenesis disorder 9B. Also called: PEROXISOME BIOGENESIS DISORDER, PEX7-RELATED, ATYPICAL; PEX7-Related Refsum Disease; Refsum disease, adult, 2. Identifiers: Orphanet 773, MedGen C2749346, MONDO:0013945, OMIM 614879.
Rhizomelic chondrodysplasia punctata type 1 (RCDP1). Also called: CHONDRODYSTROPHIA CALCIFICANS PUNCTATA; PEROXISOME BIOGENESIS DISORDER 9; PEX7-Related Rhizomelic Chondrodysplasia Punctata. Identifiers: Orphanet 177, Orphanet 309789, MedGen C1859133, MONDO:0008972, OMIM 215100. Disease mechanism: loss of function.

Submissions (3):

Labcorp Genetics (formerly Invitae), Labcorp
Classification: Pathogenic for Peroxisome biogenesis disorder 9B. Last evaluated: 2023-05-28. Review status: criteria provided, single submitter. Criteria: Invitae Variant Classification Sherloc (09022015). Collection method: clinical testing. Allele origin: germline.
Comment: For these reasons, this variant has been classified as Pathogenic. ClinVar contains an entry for this variant (Variation ID: 371661). This variant is also known as 339C>T. This premature translational stop signal has been observed in individual(s) with Rhizomelic Chondrodysplasia Punctata (PMID: 12325024). This variant is not present in population databases (gnomAD no frequency). This sequence change creates a premature translational stop signal (p.Gln112*) in the PEX7 gene. It is expected to result in an absent or disrupted protein product. Loss-of-function variants in PEX7 are known to be pathogenic (PMID: 12325024, 12522768, 20301447).

Baylor Genetics
Classification: Pathogenic for Peroxisome biogenesis disorder 9B. Last evaluated: 2022-04-04. Review status: criteria provided, single submitter. Criteria: ACMG Guidelines, 2015. Collection method: clinical testing. Allele origin: unknown.

Counsyl
Classification: Likely pathogenic for Rhizomelic chondrodysplasia punctata type 1. Last evaluated: 2016-11-10. Review status: no assertion criteria provided. Collection method: clinical testing. Allele origin: unknown. Not counted in ClinVar's aggregate classification.

Literature cited by the submitters: PubMed 12325024 (cited by Labcorp Genetics (formerly Invitae), Labcorp and Counsyl); PubMed 12522768 (cited by Labcorp Genetics (formerly Invitae), Labcorp); PubMed 20301447 (cited by Labcorp Genetics (formerly Invitae), Labcorp).

NM_000288.4(PEX7):c.334C>T (p.Gln112Ter)

Gene: PEX7 (peroxisomal biogenesis factor 7; plus strand). Cytogenetic location: 6q23.3.
Variant type: single nucleotide variant.
Coding change: c.334C>T on transcript NM_000288.4 (MANE Select); coding-DNA position 334, C replaced by T.
Protein change: p.Gln112Ter; replaces glutamine 112 with a stop codon.
Molecular consequence: nonsense.
Genome position (GRCh38, 1-based): chr6:136,826,464, C>T. VCF-style: chr6-136826464-C-T. GRCh37 (hg19) VCF-style: chr6-137147602-C-T.
Other names: short protein forms Q112*.
Identifiers: ClinVar variation 371661 (VCV000371661.7), dbSNP rs62653604, ClinGen allele CA16041012.